The following is an entry in ClinVar:

ClinVar aggregate classification (germline): Uncertain significance (1 of 4 stars; one submission).

Conditions:
Neuronal ceroid lipofuscinosis. Also called: Neuronal Ceroid Lipofuscinoses. Identifiers: Orphanet 216, Orphanet 79263, MedGen C0027877, MONDO:0016295. Disease mechanism: loss of function.

Submission:

Labcorp Genetics (formerly Invitae), Labcorp
Classification: Uncertain significance for Neuronal ceroid lipofuscinosis. Last evaluated: 2025-06-09. Review status: criteria provided, single submitter. Criteria: Invitae Variant Classification Sherloc (09022015). Collection method: clinical testing. Allele origin: germline.
Comment: This sequence change replaces lysine, which is basic and polar, with asparagine, which is neutral and polar, at codon 107 of the DNAJC5 protein (p.Lys107Asn). This variant also falls at the last nucleotide of exon 3, which is part of the consensus splice site for this exon. This variant is not present in population databases (gnomAD no frequency). This variant has not been reported in the literature in individuals affected with DNAJC5-related conditions. An algorithm developed to predict the effect of missense changes on protein structure and function (PolyPhen-2) suggests that this variant is likely to be disruptive. Variants that disrupt the consensus splice site are a relatively common cause of aberrant splicing (PMID: 17576681, 9536098). Algorithms developed to predict the effect of sequence changes on RNA splicing suggest that this variant may disrupt the consensus splice site. In summary, the available evidence is currently insufficient to determine the role of this variant in disease. Therefore, it has been classified as a Variant of Uncertain Significance.

Literature cited by the submitters: PubMed 17576681; PubMed 9536098.

NM_025219.3(DNAJC5):c.321G>T (p.Lys107Asn)

Gene: DNAJC5 (DnaJ heat shock protein family (Hsp40) member C5; plus strand). Cytogenetic location: 20q13.33.
Variant type: single nucleotide variant.
Coding change: c.321G>T on transcript NM_025219.3 (MANE Select); coding-DNA position 321, G replaced by T.
Protein change: p.Lys107Asn; replaces lysine 107 with asparagine.
Molecular consequence: missense variant.
Genome position (GRCh38, 1-based): chr20:63,929,525, G>T. VCF-style: chr20-63929525-G-T. GRCh37 (hg19) VCF-style: chr20-62560878-G-T.
Other names: short protein forms K107N.
Identifiers: ClinVar variation 4718580 (VCV004718580.1).